The following is an entry in ClinVar:

NM_001429.4(EP300):c.1091del (p.Cys364fs)

Gene: EP300 (E1A binding protein p300; plus strand). Cytogenetic location: 22q13.2.
Variant type: Deletion.
Coding change: c.1091del on transcript NM_001429.4 (MANE Select); coding-DNA position 1091, one base deleted (G; older notation c.1091delG).
Protein change: p.Cys364fs; shifts the reading frame from cysteine 364.
Molecular consequence: frameshift variant.
Genome position (GRCh38, 1-based): chr22:41,127,671, G deleted. VCF-style (leftmost placement, unchanged base first): chr22-41127670-TG-T. GRCh37 (hg19) VCF-style: chr22-41523674-TG-T.
Other names: c.1091del, p.Cys364fs (NM_001362843.2); short protein forms C364fs.
Identifiers: ClinVar variation 3275597 (VCV003275597.1).
Genomic context (GRCh38, chr22:41,127,670, plus strand): 5'-CTCCTTTTGCATGCTCACAAGTGCCAGCGCCGGGAACAGGCCAATGGGGAAGTGAGGCAG[TG>T]CAACCTTCCCCACTGTCGCACAATGAAGAATGTCCTAAACCACATGACACACTGCCAGTC-3'

ClinVar aggregate classification (germline): Pathogenic (1 of 4 stars; one submission).

Conditions:
Inborn genetic diseases. Identifiers: MedGen C0950123, MeSH D030342.

Submission:

Ambry Genetics
Classification: Pathogenic for Inborn genetic diseases. Last evaluated: 2024-05-01. Review status: criteria provided, single submitter. Criteria: Ambry Variant Classification Scheme 2023. Collection method: clinical testing. Allele origin: germline.
Comment: The c.1091delG (p.C364Sfs*9) alteration, located in exon 4 (coding exon 4) of the EP300 gene, consists of a deletion of one nucleotide at position 1091, causing a translational frameshift with a predicted alternate stop codon after 9 amino acids. This alteration is expected to result in loss of function by premature protein truncation or nonsense-mediated mRNA decay. This variant was not reported in population-based cohorts in the Genome Aggregation Database (gnomAD). Based on the available evidence, this alteration is classified as pathogenic.